The following is an entry in ClinVar:

ClinVar aggregate classification (germline): Conflicting classifications of pathogenicity. Review status: criteria provided, conflicting classifications (1 of 4 stars). 4 submissions from 4 submitters: Uncertain significance (1); Likely benign (2). 1 of the submissions does not count toward it. Last evaluated 2026-01-26.

Conditions:
Focal segmental glomerulosclerosis (FSGS). Also called: Glomerulosclerosis, focal; Focal sclerosis with hyalinosis. Identifiers: MedGen C0017668, MONDO:0100313, HP:0000097. Disease mechanism: loss of function.
Pierson syndrome. Also called: MICROCORIA-CONGENITAL NEPHROTIC SYNDROME. Identifiers: Orphanet 2670, MedGen C1836876, MONDO:0012184, OMIM 609049.
LAMB2-related infantile-onset nephrotic syndrome. Also called: Nephrotic Syndrome, type 5; NEPHROTIC SYNDROME, TYPE 5, WITHOUT OCULAR ABNORMALITIES; NEPHROTIC SYNDROME, TYPE 5, WITH OCULAR ABNORMALITIES. Identifiers: Orphanet 306507, MedGen C3280113, MONDO:0013621, OMIM 614199.
LAMB2-related disorder. Also called: LAMB2-related condition.

Allele frequency attached by ClinVar (database versions not stated): gnomAD 0.00001; gnomAD exomes 0.00001; TOPMed 0.00001; ExAC 0.00002.
gnomAD v4.1: 10 of 1,613,472 alleles (0.00062%); highest among the groups gnomAD compares: Non-Finnish European, 0.00085%; no homozygotes.

Submissions (4):

Labcorp Genetics (formerly Invitae), Labcorp
Classification: Likely benign for LAMB2-related infantile-onset nephrotic syndrome; Pierson syndrome. Last evaluated: 2026-01-26. Review status: criteria provided, single submitter. Criteria: Invitae Variant Classification Sherloc (09022015). Collection method: clinical testing. Allele origin: germline.

CeGaT Center for Human Genetics Tuebingen
Classification: Likely benign. Last evaluated: 2025-09-01. Review status: criteria provided, single submitter. Criteria: CeGaT Center For Human Genetics Tuebingen Variant Classification Criteria Version 2. Collection method: clinical testing. Allele origin: germline. Affected: yes. Observed: 1 variant allele.
Comment: LAMB2: BP4, BP7

Genome Diagnostics Laboratory, The Hospital for Sick Children
Classification: Uncertain significance for Focal segmental glomerulosclerosis. Last evaluated: 2021-10-13. Review status: criteria provided, single submitter. Criteria: ACMG Guidelines, 2015. Collection method: clinical testing. Allele origin: germline.

PreventionGenetics, part of Exact Sciences
Classification: Likely benign for LAMB2-related condition. Last evaluated: 2019-03-06. Review status: no assertion criteria provided. Collection method: clinical testing. Allele origin: germline. Not counted in ClinVar's aggregate classification.
Comment: This variant is classified as likely benign based on ACMG/AMP sequence variant interpretation guidelines (Richards et al. 2015 PMID: 25741868, with internal and published modifications).

NM_002292.4(LAMB2):c.4759C>T (p.Leu1587=)

Gene: LAMB2 (laminin subunit beta 2; minus strand). Cytogenetic location: 3p21.31.
Variant type: single nucleotide variant.
Coding change: c.4759C>T on transcript NM_002292.4 (MANE Select); coding-DNA position 4759, C replaced by T.
Protein change: p.Leu1587=; no amino-acid change (leucine 1587 retained).
Molecular consequence: synonymous variant.
Genome position (GRCh38, 1-based): chr3:49,122,185, G>A on the plus strand (C>T on the coding strand, the complement: LAMB2 is on the minus strand). VCF-style: chr3-49122185-G-A. GRCh37 (hg19) VCF-style: chr3-49159618-G-A.
Identifiers: ClinVar variation 1712386 (VCV001712386.14), dbSNP rs760451762, ClinGen allele CA2393714.
Genomic context (GRCh38, chr3:49,122,185, plus strand): 5'-CCAGGTGTCAGGGATAGGGGCCAGGGATGGGGTCAGACCTTGCCCGCCGTGCATCCTGCA[G>A]TAGCTGCTCGGCACGACGCACATCTCCTACAGTACGTGCCAGGATCGCATCCACATCTGC-3'
Protein context (NP_002283.3, residues 1577-1597): VGDVRRAEQL[Leu1587=]QDARRARSWA